The following is an entry in ClinVar:

ClinVar aggregate classification (germline): Uncertain significance (1 of 4 stars; one submission).

Submission:

Ambry Genetics
Classification: Uncertain significance. Last evaluated: 2025-11-12. Review status: criteria provided, single submitter. Criteria: Ambry Variant Classification Scheme 2023. Collection method: clinical testing. Allele origin: germline.
Comment: The p.H352Q variant (also known as c.1056C>A), located in coding exon 8 of the RNF43 gene, results from a C to A substitution at nucleotide position 1056. The histidine at codon 352 is replaced by glutamine, an amino acid with highly similar properties. This amino acid position is conserved. In addition, this alteration is predicted to be tolerated by in silico analysis. Based on the available evidence, the clinical significance of this variant remains unclear.

NM_017763.6(RNF43):c.1056C>A (p.His352Gln)

Gene: RNF43 (ring finger protein 43; minus strand). Cytogenetic location: 17q22.
Variant type: single nucleotide variant.
Coding change: c.1056C>A on transcript NM_017763.6 (MANE Select); coding-DNA position 1056, C replaced by A.
Protein change: p.His352Gln; replaces histidine 352 with glutamine.
Molecular consequence: missense variant.
Genome position (GRCh38, 1-based): chr17:58,358,720, G>T on the plus strand (C>A on the coding strand, the complement: RNF43 is on the minus strand). VCF-style: chr17-58358720-G-T. GRCh37 (hg19) VCF-style: chr17-56436081-G-T.
Other names: c.1056C>A, p.His352Gln (NM_001305544.3, NM_001438820.1, NM_001438821.1 and 1 more transcripts); c.675C>A, p.His225Gln (NM_001305545.2, NM_001437987.1); short protein forms H225Q, H352Q.
Identifiers: ClinVar variation 4578992 (VCV004578992.1).